The following is an entry in ClinVar:

NM_025179.4(PLXNA2):c.1117T>C (p.Ser373Pro)

Gene: PLXNA2 (plexin A2; minus strand). Cytogenetic location: 1q32.2.
Variant type: single nucleotide variant.
Coding change: c.1117T>C on transcript NM_025179.4 (MANE Select); coding-DNA position 1117, T replaced by C.
Protein change: p.Ser373Pro; replaces serine 373 with proline.
Molecular consequence: missense variant.
Genome position (GRCh38, 1-based): chr1:208,216,806, A>G on the plus strand (T>C on the coding strand, the complement: PLXNA2 is on the minus strand). VCF-style: chr1-208216806-A-G. GRCh37 (hg19) VCF-style: chr1-208390151-A-G.
Other names: short protein forms S373P.
Identifiers: ClinVar variation 4993496 (VCV004993496.1).

ClinVar aggregate classification (germline): Uncertain significance (1 of 4 stars; one submission).

Conditions:
PLXNA2-related disorder. Also called: PLXNA2-related condition.

Submission:

PreventionGenetics, part of Exact Sciences
Classification: Uncertain significance for PLXNA2-related condition. Last evaluated: 2025-10-01. Review status: criteria provided, single submitter. Criteria: ACMG Guidelines, 2015. Collection method: clinical testing. Allele origin: germline.
Comment: The PLXNA2 c.1117T>C variant is predicted to result in the amino acid substitution p.Ser373Pro. To our knowledge, this variant has not been reported in the literature or in a large population database (gnomAD), indicating this variant is rare. At this time, the clinical significance of this variant is uncertain due to the absence of conclusive functional and genetic evidence.